The following is an entry in ClinVar:

NM_001003699.4(RREB1):c.5018G>A (p.Arg1673Gln)

Gene: RREB1 (ras responsive element binding protein 1; plus strand). Cytogenetic location: 6p24.3.
Variant type: single nucleotide variant.
Coding change: c.5018G>A on transcript NM_001003699.4 (MANE Select); coding-DNA position 5018, G replaced by A.
Protein change: p.Arg1673Gln; replaces arginine 1673 with glutamine.
Molecular consequence: missense variant.
Genome position (GRCh38, 1-based): chr6:7,248,757, G>A. VCF-style: chr6-7248757-G-A. GRCh37 (hg19) VCF-style: chr6-7248990-G-A.
Other names: c.4853G>A, p.Arg1618Gln (NM_001003698.4, NM_001168344.2); c.4220G>A, p.Arg1407Gln (NM_001003700.2); short protein forms R1407Q, R1618Q, R1673Q.
Identifiers: ClinVar variation 3055763 (VCV003055763.3), dbSNP rs116683035, ClinGen allele CA3626627.

ClinVar aggregate classification (germline): Likely benign. Review status: criteria provided, single submitter (1 of 4 stars). 2 submissions from 2 submitters: Likely benign (1). 1 of the submissions does not count toward it. Last evaluated 2026-05-11.

Conditions:
RREB1-related disorder. Also called: RREB1-related condition.

Allele frequency attached by ClinVar (database versions not stated): 1000 Genomes Project 30x 0.00656; gnomAD 0.01561; ESP Exome Variant Server 0.01723; TOPMed 0.01445; 1000 Genomes Project 0.00639.
gnomAD v4.1: 33,194 of 1,614,084 alleles (2.1%); highest among the groups gnomAD compares: Non-Finnish European, 2.5%; 409 homozygotes.

Submissions (2):

Women's Health and Genetics/Laboratory Corporation of America, LabCorp
Classification: Likely benign. Last evaluated: 2026-05-11. Review status: criteria provided, single submitter. Criteria: LabCorp Variant Classification Summary - May 2015. Collection method: clinical testing. Allele origin: germline.

PreventionGenetics, part of Exact Sciences
Classification: Benign for RREB1-related condition. Last evaluated: 2019-06-03. Review status: no assertion criteria provided. Collection method: clinical testing. Allele origin: germline. Not counted in ClinVar's aggregate classification.
Comment: This variant is classified as benign based on ACMG/AMP sequence variant interpretation guidelines (Richards et al. 2015 PMID: 25741868, with internal and published modifications).